The following is an entry in ClinVar:

NM_174936.4(PCSK9):c.943G>A (p.Ala315Thr)

Gene: PCSK9 (proprotein convertase subtilisin/kexin type 9; plus strand). Cytogenetic location: 1p32.3.
Variant type: single nucleotide variant.
Coding change: c.943G>A on transcript NM_174936.4 (MANE Select); coding-DNA position 943, G replaced by A.
Protein change: p.Ala315Thr; replaces alanine 315 with threonine.
Molecular consequence: missense variant. On other transcripts: non-coding transcript variant (8).
Genome position (GRCh38, 1-based): chr1:55,056,136, G>A. VCF-style: chr1-55056136-G-A. GRCh37 (hg19) VCF-style: chr1-55521809-G-A.
Other names: c.1066G>A, p.Ala356Thr (NM_001407240.1); c.943G>A, p.Ala315Thr (NM_001407241.1, NM_001407244.1, NM_001407247.1); c.946G>A, p.Ala316Thr (NM_001407242.1); c.886G>A, p.Ala296Thr (NM_001407243.1); c.751G>A, p.Ala251Thr (NM_001407245.1); c.568G>A, p.Ala190Thr (NM_001407246.1); short protein forms A315T, A316T, A356T, A190T, A251T, A296T.
Identifiers: ClinVar variation 4758354 (VCV004758354.1).

ClinVar aggregate classification (germline): Uncertain significance (1 of 4 stars; one submission).

Conditions:
Familial hypercholesterolemia. Also called: Familial hypercholesterolaemia. Identifiers: MedGen C0020445, MONDO:0005439.

Submission:

Color Diagnostics, LLC DBA Color Health
Classification: Uncertain significance for Familial hypercholesterolemia. Last evaluated: 2025-08-25. Review status: criteria provided, single submitter. Criteria: ACMG Guidelines, 2015. Collection method: clinical testing. Allele origin: germline.
Comment: This missense variant replaces alanine with threonine at codon 315 of the PCSK9 protein. Computational prediction suggests that this variant may have deleterious impact on protein structure and function. To our knowledge, functional studies have not been reported for this variant. This variant has not been reported in individuals affected with PCSK9-related disorders in the literature. This variant has not been identified in the general population by the Genome Aggregation Database (gnomAD). The available evidence is insufficient to determine the role of this variant in disease conclusively. Therefore, this variant is classified as a Variant of Uncertain Significance.